The following is an entry in ClinVar:

NM_002786.4(PSMA1):c.7C>T (p.Arg3Ter)

Gene: PSMA1 (proteasome 20S subunit alpha 1; minus strand). Cytogenetic location: 11p15.2.
Variant type: single nucleotide variant.
Coding change: c.7C>T on transcript NM_002786.4 (MANE Select); coding-DNA position 7, C replaced by T.
Protein change: p.Arg3Ter; replaces arginine 3 with a stop codon.
Molecular consequence: nonsense.
Genome position (GRCh38, 1-based): chr11:14,519,038, G>A on the plus strand (C>T on the coding strand, the complement: PSMA1 is on the minus strand). VCF-style: chr11-14519038-G-A. GRCh37 (hg19) VCF-style: chr11-14540584-G-A.
Other names: c.7C>T, p.Arg3Ter (NM_001143937.2); c.25C>T, p.Arg9Ter (NM_148976.3); short protein forms R3*, R9*.
Identifiers: ClinVar variation 1331513 (VCV001331513.4), dbSNP rs2062941120, ClinGen allele CA379740539.

ClinVar aggregate classification (germline): Uncertain significance (0 of 4 stars; one submission).

Submission:

Greenwood Genetic Center Diagnostic Laboratories, Greenwood Genetic Center
Classification: Uncertain significance. Last evaluated: 2020-11-13. Review status: no assertion criteria provided. Collection method: clinical testing. Allele origin: germline. Affected: yes.
Comment: Gene of uncertain clinical significance